The following is an entry in ClinVar:

NM_144599.5(NIPA1):c.*4510T>C

Gene: NIPA1 (NIPA magnesium transporter 1; plus strand). Cytogenetic location: 15q11.2.
Variant type: single nucleotide variant.
Coding change: c.*4510T>C on transcript NM_144599.5 (MANE Select); 4510 bases downstream of the stop codon, T replaced by C.
Molecular consequence: 3 prime UTR variant.
Genome position (GRCh38, 1-based): chr15:22,828,749, T>C. VCF-style: chr15-22828749-T-C. GRCh37 (hg19) VCF-style: chr15-23044319-A-G.
Other names: c.*4510T>C (NM_001142275.1).
Identifiers: ClinVar variation 884880 (VCV000884880.4), dbSNP rs528249723, ClinGen allele CA267610994.

ClinVar aggregate classification (germline): Benign (1 of 4 stars; one submission).

Conditions:
Hereditary spastic paraplegia 6 (SPG6). Also called: SPASTIC PARAPLEGIA 6, AUTOSOMAL DOMINANT. Identifiers: Orphanet 100988, MedGen C1838192, MONDO:0010878, OMIM 600363.

Allele frequency attached by ClinVar (database versions not stated): gnomAD below 0.00001 and 0.00004; TOPMed 0.00002; 1000 Genomes Project 30x 0.00031; 1000 Genomes Project 0.00040.

Submission:

Illumina Laboratory Services, Illumina
Classification: Benign for Hereditary spastic paraplegia 6. Last evaluated: 2018-01-13. Review status: criteria provided, single submitter. Criteria: ICSL Variant Classification Criteria 13 December 2019. Collection method: clinical testing. Allele origin: germline.
Comment: This variant was observed in the ICSL laboratory as part of a predisposition screen in an ostensibly healthy population. It had not been previously curated by ICSL or reported in the Human Gene Mutation Database (HGMD: prior to June 1st, 2018), and was therefore a candidate for classification through an automated scoring system. Utilizing variant allele frequency, disease prevalence and penetrance estimates, and inheritance mode, an automated score was calculated to assess if this variant is too frequent to cause the disease. Based on the score and internal cut-off values, a variant classified as benign is not then subjected to further curation. The score for this variant resulted in a classification of benign for this disease.